The following is an entry in ClinVar:

NM_000535.7(PMS2):c.21G>C (p.Ser7=)

Gene: PMS2 (PMS1 homolog 2, mismatch repair system component; minus strand). Cytogenetic location: 7p22.1.
Variant type: single nucleotide variant.
Coding change: c.21G>C on transcript NM_000535.7 (MANE Select); coding-DNA position 21, G replaced by C.
Protein change: p.Ser7=; no amino-acid change (serine 7 retained).
Molecular consequence: synonymous variant. On other transcripts: 5 prime UTR variant (11), non-coding transcript variant (1).
Genome position (GRCh38, 1-based): chr7:6,008,999, C>G on the plus strand (G>C on the coding strand, the complement: PMS2 is on the minus strand). VCF-style: chr7-6008999-C-G. GRCh37 (hg19) VCF-style: chr7-6048630-C-G.
Other names: c.-380G>C (NM_001322003.2, NM_001322013.2); c.-245G>C (NM_001322004.2, NM_001322010.2); c.-575G>C (NM_001322005.2); c.21G>C, p.Ser7= (NM_001322006.2, NM_001322014.2); c.-195G>C (NM_001322007.2); c.-55G>C (NM_001322008.2); c.-570G>C (NM_001322009.2); c.-864G>C (NM_001322011.2); and 2 more.
Identifiers: ClinVar variation 135942 (VCV000135942.26), dbSNP rs587780726, ClinGen allele CA011082.

ClinVar aggregate classification (germline): Benign/Likely benign. Review status: criteria provided, multiple submitters, no conflicts (2 of 4 stars). 9 submissions from 8 submitters: Benign (1); Likely benign (7). 1 of the submissions does not count toward it. Last evaluated 2026-01-26.

Conditions:
Hereditary nonpolyposis colorectal neoplasms. Identifiers: MedGen C0009405, MeSH D003123.
Hereditary cancer-predisposing syndrome. Also called: Tumor predisposition; Hereditary neoplastic syndrome; Neoplastic Syndromes, Hereditary; Hereditary Cancer Syndrome. Identifiers: Orphanet 140162, MedGen C0027672, MeSH D009386, MONDO:0015356.
Lynch syndrome. Identifiers: Orphanet 144, MedGen C4552100, MONDO:0005835. Disease mechanism: loss of function.
Lynch syndrome 4 (LYNCH4). Also called: Colorectal cancer, hereditary nonpolyposis, type 4; Hereditary non-polyposis colorectal cancer, type 4. Identifiers: Orphanet 144, MedGen C1838333, MONDO:0013699, OMIM 614337. Disease mechanism: loss of function.
Malignant tumor of breast. Also called: Cancer breast; Malignant breast neoplasm. Identifiers: MedGen C0006142, MONDO:0007254. Disease mechanism: loss of function.

Allele frequency attached by ClinVar (database versions not stated): gnomAD exomes below 0.00001.
gnomAD v4.1: 17 of 1,612,670 alleles (0.0011%); highest among the groups gnomAD compares: South Asian, 0.0022%; no homozygotes.

Submissions (9):

Labcorp Genetics (formerly Invitae), Labcorp
Classification: Likely benign for Hereditary nonpolyposis colorectal neoplasms. Last evaluated: 2026-01-26. Review status: criteria provided, single submitter. Criteria: Invitae Variant Classification Sherloc (09022015). Collection method: clinical testing. Allele origin: germline.

Myriad Genetics, Inc.
Classification: Benign for Lynch syndrome 4. Last evaluated: 2025-01-23. Review status: criteria provided, single submitter. Criteria: Myriad Autosomal Dominant, Autosomal Recessive and X-Linked Classification Criteria (2023). Collection method: clinical testing. Allele origin: unknown.
Comment: This variant is considered benign. This variant is a silent/synonymous amino acid change and it is not expected to impact splicing.

All of Us Research Program, National Institutes of Health
Classification: Likely benign for Lynch syndrome. Last evaluated: 2023-06-20. Review status: criteria provided, single submitter. Criteria: ACMG Guidelines, 2015. Collection method: clinical testing. Allele origin: germline. Inheritance: Autosomal dominant inheritance. Observed: 2 variant alleles, 2 heterozygotes.
Comment: This study involves interpretation of variants in research participants for the purpose of population health screening. Participant phenotype was not available at the time of variant classification. Additional details can be found in publication PMID: 35346344, PMCID: PMC8962531

Women's Health and Genetics/Laboratory Corporation of America, LabCorp
Classification: Likely benign. Last evaluated: 2019-08-30. Review status: criteria provided, single submitter. Criteria: LabCorp Variant Classification Summary - May 2015. Collection method: clinical testing. Allele origin: germline.
Comment: Variant summary: PMS2 c.21G>C (p.Ser7Ser) alters a non-conserved nucleotide located close to a canonical splice site and therefore could affect mRNA splicing, leading to a significantly altered protein sequence. 5/5 computational tools predict no significant impact on normal splicing. However, these predictions have yet to be confirmed by functional studies. The variant allele was found at a frequency of 4e-06 in 250326 control chromosomes. The available data on variant occurrences in the general population are insufficient to allow any conclusion about variant significance. To our knowledge, there are no reports of c.21G>C in individuals with Lynch Syndrome and no experimental evidence demonstrating an impact of c.21G>C on protein function in the literature. Three other laboratories have submitted clinical significance assessments for this variant to ClinVar (evaluation after 2014) and cited the variant as likely benign. Based on the evidence outlined above, the variant was classified as likely benign.

Department of Pathology and Laboratory Medicine, Sinai Health System
Classification: Likely benign for Lynch syndrome. Last evaluated: 2019-04-01. Review status: criteria provided, single submitter. Criteria: ACMG Guidelines, 2015. Collection method: research. Allele origin: germline.

GeneDx
Classification: Likely benign. Last evaluated: 2018-12-11. Review status: criteria provided, single submitter. Criteria: GeneDx Variant Classification Process June 2021. Collection method: clinical testing. Allele origin: germline. Affected: yes.
Comment: This variant is associated with the following publications: (PMID: 24121792)

Color Diagnostics, LLC DBA Color Health
Classification: Likely benign for Hereditary cancer-predisposing syndrome. Last evaluated: 2017-04-28. Review status: criteria provided, single submitter. Criteria: ACMG Guidelines, 2015. Collection method: clinical testing. Allele origin: germline.

Ambry Genetics
Classification: Likely benign for Hereditary cancer-predisposing syndrome. Last evaluated: 2015-11-06. Review status: criteria provided, single submitter. Criteria: Ambry Variant Classification Scheme 2023. Collection method: clinical testing. Allele origin: germline.

Department of Pathology and Laboratory Medicine, Sinai Health System
Classification: Likely benign for Malignant tumor of breast. Review status: no assertion criteria provided. Collection method: clinical testing. Allele origin: unknown. Affected: yes. Study: The Canadian Open Genetics Repository (COGR). Not counted in ClinVar's aggregate classification.
Comment: The PMS2 p.Ser7= variant was not identified in the literature nor was it identified in the Genesight-COGR, MutDB, Insight Colon Cancer Gene Variant Database, Zhejiang Colon Cancer Database, Mismatch Repair Genes Variant Database, MMR Gene Unclassified Variants Database, Insight Hereditary Tumors Database, databases. The variant was identified in dbSNP (rs587780726) as likely benign allele, ClinVar (2x as likely benign), and Cosmic (2x) databases. The variant was identified in control databases in 1 of 245430 chromosomes at a frequency of 0.000004 increasing the likelihood that this may be a low frequency benign variant in certain populations of origin (Genome Aggregation Consortium Feb 27, 2017). The p.Ser7= variant is not expected to have clinical significance because it does not result in a change of amino acid and is not located in a known consensus splice site. In addition, in silico or computational prediction software programs (SpliceSiteFinder, MaxEntScan, NNSPLICE, GeneSplicer, HumanSpliceFinder) do not predict a difference in splicing. In summary, based on the above information the clinical significance of this variant cannot be determined with certainty at this time although we would lean towards a more benign role for this variant. This variant is classified as likely benign.